The following is an entry in ClinVar:

NM_018676.4(THSD1):c.1021+5G>A

Gene: THSD1 (thrombospondin type 1 domain containing 1; minus strand). Cytogenetic location: 13q14.3.
Variant type: single nucleotide variant.
Coding change: c.1021+5G>A on transcript NM_018676.4 (MANE Select); 5 bases into the intron after coding-DNA position 1021, G replaced by A.
Molecular consequence: intron variant.
Genome position (GRCh38, 1-based): chr13:52,397,227, C>T on the plus strand (G>A on the coding strand, the complement: THSD1 is on the minus strand). VCF-style: chr13-52397227-C-T. GRCh37 (hg19) VCF-style: chr13-52971362-C-T.
Other names: c.1021+5G>A (NM_199263.3).
Identifiers: ClinVar variation 2444420 (VCV002444420.1), dbSNP rs1594103112, ClinGen allele CA2091759070.
Genomic context (GRCh38, chr13:52,397,227, plus strand): 5'-ATTCTAAATAATTTTGATTACATGAAGGATTTGATTTAAAATGTTAAAAAAATCTCAATA[C>T]AAACCTGTATTTCTCTGAATTAGCATGCACTCCTCCTTTGCAGAAAAATGGCTTCTGCTT-3'

ClinVar aggregate classification (germline): Uncertain significance (1 of 4 stars; one submission).

Conditions:
Aneurysm, intracranial berry, 12. Identifiers: MedGen C5231484, MONDO:0032891, OMIM 618734.

Submission:

3billion
Classification: Uncertain significance for Aneurysm, intracranial berry, 12. Last evaluated: 2023-02-23. Review status: criteria provided, single submitter. Criteria: ACMG Guidelines, 2015. Collection method: clinical testing. Allele origin: unknown. Affected: yes.
Comment: The variant is not observed in the gnomAD v2.1.1 dataset. Splice variant was predicted to result in a trucated protein by alternate splicing. In silico tools predict the variant to alter splicing and produce an abnormal transcript (SpliceAI: 0.74). Therefore, this variant is classified as VUS according to the recommendation of ACMG/AMP guideline.